The following is an entry in ClinVar:

ClinVar aggregate classification (germline): Conflicting classifications of pathogenicity. Review status: criteria provided, conflicting classifications (1 of 4 stars). 4 submissions from 4 submitters: Uncertain significance (1); Benign (1); Likely benign (1). 1 of the submissions does not count toward it. Last evaluated 2025-10-28.

Conditions:
GRN-related disorder. Also called: GRN-related condition; GRN-related disorders.
GRN-related frontotemporal lobar degeneration with Tdp43 inclusions (FTD2). Also called: FRONTOTEMPORAL DEMENTIA WITH TDP43 INCLUSIONS, GRN-RELATED; DEMENTIA, HEREDITARY DYSPHASIC DISINHIBITION; FRONTOTEMPORAL LOBAR DEGENERATION WITH UBIQUITIN-POSITIVE INCLUSIONS; FTLD-TDP, GRN-RELATED; GRN Frontotemporal Dementia. Identifiers: Orphanet 100070, Orphanet 282, MedGen C1843792, MONDO:0011842, OMIM 607485. Disease mechanism: loss of function.
Neuronal ceroid lipofuscinosis 11. Also called: GRN-Related Neuronal Ceroid-Lipofuscinosis. Identifiers: Orphanet 314629, Orphanet 79262, MedGen C3539123, MONDO:0013866, OMIM 614706.
Inborn genetic diseases. Identifiers: MedGen C0950123, MeSH D030342.

Allele frequency attached by ClinVar (database versions not stated): gnomAD 0.00007; gnomAD exomes 0.00013 and 0.00032; TOPMed 0.00019; ExAC 0.00023.
gnomAD v4.1: 87 of 1,611,674 alleles (0.0054%); highest among the groups gnomAD compares: Admixed American, 0.14%; no homozygotes.

Submissions (4):

Labcorp Genetics (formerly Invitae), Labcorp
Classification: Likely benign for Neuronal ceroid lipofuscinosis 11; GRN-related frontotemporal lobar degeneration with Tdp43 inclusions. Last evaluated: 2025-10-28. Review status: criteria provided, single submitter. Criteria: Invitae Variant Classification Sherloc (09022015). Collection method: clinical testing. Allele origin: germline.

Ambry Genetics
Classification: Uncertain significance for Inborn genetic diseases. Last evaluated: 2019-06-24. Review status: criteria provided, single submitter. Criteria: Ambry Variant Classification Scheme 2023. Collection method: clinical testing. Allele origin: germline.
Comment: The p.D581V variant (also known as c.1742A>T), located in coding exon 12 of the GRN gene, results from an A to T substitution at nucleotide position 1742. The aspartic acid at codon 581 is replaced by valine, an amino acid with highly dissimilar properties. This amino acid position is well conserved in available vertebrate species. In addition, this alteration is predicted to be inconclusive by in silico analysis. Since supporting evidence is limited at this time, the clinical significance of this alteration remains unclear.

Athena Diagnostics
Classification: Benign. Last evaluated: 2017-07-06. Review status: criteria provided, single submitter. Criteria: Athena Diagnostics Criteria. Collection method: clinical testing. Allele origin: germline.

PreventionGenetics, part of Exact Sciences
Classification: Likely benign for GRN-related condition. Last evaluated: 2021-08-18. Review status: no assertion criteria provided. Collection method: clinical testing. Allele origin: germline. Not counted in ClinVar's aggregate classification.
Comment: This variant is classified as likely benign based on ACMG/AMP sequence variant interpretation guidelines (Richards et al. 2015 PMID: 25741868, with internal and published modifications).

NM_002087.4(GRN):c.1742A>T (p.Asp581Val)

Gene: GRN (granulin precursor; plus strand). Cytogenetic location: 17q21.31.
Variant type: single nucleotide variant.
Coding change: c.1742A>T on transcript NM_002087.4 (MANE Select); coding-DNA position 1742, A replaced by T.
Protein change: p.Asp581Val; replaces aspartic acid 581 with valine.
Molecular consequence: missense variant.
Genome position (GRCh38, 1-based): chr17:44,352,758, A>T. VCF-style: chr17-44352758-A-T. GRCh37 (hg19) VCF-style: chr17-42430126-A-T.
Other names: short protein forms D581V.
Identifiers: ClinVar variation 447473 (VCV000447473.17), dbSNP rs768223928, ClinGen allele CA8602290.